The following is an entry in ClinVar:

ClinVar aggregate classification (germline): Benign (1 of 4 stars; one submission).

Conditions:
Pontocerebellar hypoplasia type 2D (PCH2D). Also called: Progressive cerebello-cerebral atrophy. Identifiers: Orphanet 247198, Orphanet 2524, MedGen C3151140, MONDO:0013438, OMIM 613811.

Allele frequency attached by ClinVar (database versions not stated): gnomAD 0.01371 and 0.01439; TOPMed 0.01514; 1000 Genomes Project 0.01797; 1000 Genomes Project 30x 0.02046.

Submission:

Illumina Laboratory Services, Illumina
Classification: Benign for Pontocerebellar hypoplasia type 2D. Last evaluated: 2018-01-12. Review status: criteria provided, single submitter. Criteria: ICSL Variant Classification Criteria 13 December 2019. Collection method: clinical testing. Allele origin: germline.
Comment: This variant was observed in the ICSL laboratory as part of a predisposition screen in an ostensibly healthy population. It had not been previously curated by ICSL or reported in the Human Gene Mutation Database (HGMD: prior to June 1st, 2018), and was therefore a candidate for classification through an automated scoring system. Utilizing variant allele frequency, disease prevalence and penetrance estimates, and inheritance mode, an automated score was calculated to assess if this variant is too frequent to cause the disease. Based on the score and internal cut-off values, a variant classified as benign is not then subjected to further curation. The score for this variant resulted in a classification of benign for this disease.

NM_016955.4(SEPSECS):c.*3848C>T

Gene: SEPSECS (Sep (O-phosphoserine) tRNA:Sec (selenocysteine) tRNA synthase; minus strand). Cytogenetic location: 4p15.2.
Variant type: single nucleotide variant.
Coding change: c.*3848C>T on transcript NM_016955.4 (MANE Select); 3848 bases downstream of the stop codon, C replaced by T.
Molecular consequence: 3 prime UTR variant.
Genome position (GRCh38, 1-based): chr4:25,120,083, G>A on the plus strand (C>T on the coding strand, the complement: SEPSECS is on the minus strand). VCF-style: chr4-25120083-G-A. GRCh37 (hg19) VCF-style: chr4-25121705-G-A.
Identifiers: ClinVar variation 348512 (VCV000348512.5), dbSNP rs111294195, ClinGen allele CA10620861.